The following is an entry in ClinVar:

NM_000096.4(CP):c.2569T>C (p.Tyr857His)

Gene: CP (ceruloplasmin; minus strand). Cytogenetic location: 3q24.
Variant type: single nucleotide variant.
Coding change: c.2569T>C on transcript NM_000096.4 (MANE Select); coding-DNA position 2569, T replaced by C.
Protein change: p.Tyr857His; replaces tyrosine 857 with histidine.
Molecular consequence: missense variant. On other transcripts: non-coding transcript variant (1).
Genome position (GRCh38, 1-based): chr3:149,179,648, A>G on the plus strand (T>C on the coding strand, the complement: CP is on the minus strand). VCF-style: chr3-149179648-A-G. GRCh37 (hg19) VCF-style: chr3-148897435-A-G.
Other names: p.Tyr857His; short protein forms Y857H.
Identifiers: ClinVar variation 4540938 (VCV004540938.1).

ClinVar aggregate classification (germline): Uncertain significance (1 of 4 stars; one submission).

Submission:

Mayo Clinic Laboratories, Mayo Clinic
Classification: Uncertain significance. Last evaluated: 2025-08-29. Review status: criteria provided, single submitter. Criteria: ACMG Guidelines, 2015. Collection method: clinical testing. Allele origin: germline. Observed: 1 variant allele.
Comment: PP3_moderate, PM2_supporting